The following is an entry in ClinVar:

NM_001286445.3(RIPOR2):c.1673C>T (p.Ala558Val)

Gene: RIPOR2 (RHO family interacting cell polarization regulator 2; minus strand). Cytogenetic location: 6p22.3.
Variant type: single nucleotide variant.
Coding change: c.1673C>T on transcript NM_001286445.3 (MANE Select); coding-DNA position 1673, C replaced by T.
Protein change: p.Ala558Val; replaces alanine 558 with valine.
Molecular consequence: missense variant.
Genome position (GRCh38, 1-based): chr6:24,843,046, G>A on the plus strand (C>T on the coding strand, the complement: RIPOR2 is on the minus strand). VCF-style: chr6-24843046-G-A. GRCh37 (hg19) VCF-style: chr6-24843274-G-A.
Other names: c.1688C>T, p.Ala563Val (NM_001286446.3); c.1586C>T, p.Ala529Val (NM_001286447.2, NM_001346031.2, NM_001346032.2 and 1 more transcripts); c.1736C>T, p.Ala579Val (NM_014722.5); c.1736C>T (NM_014722.4); short protein forms A529V, A558V, A579V, A563V.
Identifiers: ClinVar variation 2971638 (VCV002971638.4), dbSNP rs1247320984, ClinGen allele CA362993798.

ClinVar aggregate classification (germline): Uncertain significance. Review status: criteria provided, multiple submitters, no conflicts (2 of 4 stars). 2 submissions from 2 submitters: Uncertain significance (2). Last evaluated 2025-01-10.

Conditions:
RIPOR2-related disorder. Also called: RIPOR2-related condition.

Allele frequency attached by ClinVar (database versions not stated): gnomAD exomes 0.00001.
gnomAD v4.1: 3 of 1,612,394 alleles (0.00019%); highest among the groups gnomAD compares: Non-Finnish European, 0.00025%; no homozygotes.

Submissions (2):

PreventionGenetics, part of Exact Sciences
Classification: Uncertain significance for RIPOR2-related condition. Last evaluated: 2025-01-10. Review status: criteria provided, single submitter. Criteria: ACMG Guidelines, 2015. Collection method: clinical testing. Allele origin: germline.
Comment: The RIPOR2 c.1736C>T variant is predicted to result in the amino acid substitution p.Ala579Val. To our knowledge, this variant has not been reported in the literature. This variant is reported in 0.00089% of alleles in individuals of European (Non-Finnish) descent in gnomAD. At this time, the clinical significance of this variant is uncertain due to the absence of conclusive functional and genetic evidence.

Labcorp Genetics (formerly Invitae), Labcorp
Classification: Uncertain significance. Last evaluated: 2024-02-02. Review status: criteria provided, single submitter. Criteria: Invitae Variant Classification Sherloc (09022015). Collection method: clinical testing. Allele origin: germline.
Comment: This sequence change replaces alanine, which is neutral and non-polar, with valine, which is neutral and non-polar, at codon 579 of the FAM65B protein (p.Ala579Val). This variant is present in population databases (no rsID available, gnomAD 0.0009%). This variant has not been reported in the literature in individuals affected with FAM65B-related conditions. Algorithms developed to predict the effect of missense changes on protein structure and function output the following: SIFT: "Not Available"; PolyPhen-2: "Benign"; Align-GVGD: "Not Available". The valine amino acid residue is found in multiple mammalian species, which suggests that this missense change does not adversely affect protein function. In summary, the available evidence is currently insufficient to determine the role of this variant in disease. Therefore, it has been classified as a Variant of Uncertain Significance.